The following is an entry in ClinVar:

ClinVar aggregate classification (germline): Likely pathogenic (1 of 4 stars; one submission).

Allele frequency attached by ClinVar (database versions not stated): gnomAD 0.00001; gnomAD exomes below 0.00001; TOPMed below 0.00001.
gnomAD v4.1: 3 of 1,614,090 alleles (0.00019%); highest among the groups gnomAD compares: African/African-American, 0.0027%; no homozygotes.

Submission:

Labcorp Genetics (formerly Invitae), Labcorp
Classification: Likely pathogenic. Last evaluated: 2025-06-12. Review status: criteria provided, single submitter. Criteria: Invitae Variant Classification Sherloc (09022015). Collection method: clinical testing. Allele origin: germline.
Comment: This sequence change replaces tyrosine, which is neutral and polar, with histidine, which is basic and polar, at codon 284 of the BEST1 protein (p.Tyr284His). This variant is not present in population databases (gnomAD no frequency). This variant has not been reported in the literature in individuals affected with BEST1-related conditions. ClinVar contains an entry for this variant (Variation ID: 2004400). Invitae Evidence Modeling of protein sequence and biophysical properties (such as structural, functional, and spatial information, amino acid conservation, physicochemical variation, residue mobility, and thermodynamic stability) indicates that this missense variant is expected to disrupt BEST1 protein function with a positive predictive value of 95%. This variant disrupts the p.Tyr284 amino acid residue in BEST1. Other variant(s) that disrupt this residue have been determined to be pathogenic (PMID: 21109774, 32207364; internal data). This suggests that this residue is clinically significant, and that variants that disrupt this residue are likely to be disease-causing. In summary, the currently available evidence indicates that the variant is pathogenic, but additional data are needed to prove that conclusively. Therefore, this variant has been classified as Likely Pathogenic.

Literature cited by the submitters: PubMed 21109774; PubMed 32207364.

NM_004183.4(BEST1):c.850T>C (p.Tyr284His)

Gene: BEST1 (bestrophin 1; plus strand). Cytogenetic location: 11q12.3.
Variant type: single nucleotide variant.
Coding change: c.850T>C on transcript NM_004183.4 (MANE Select); coding-DNA position 850, T replaced by C.
Protein change: p.Tyr284His; replaces tyrosine 284 with histidine.
Molecular consequence: missense variant. On other transcripts: non-coding transcript variant (1).
Genome position (GRCh38, 1-based): chr11:61,958,281, T>C. VCF-style: chr11-61958281-T-C. GRCh37 (hg19) VCF-style: chr11-61725753-T-C.
Other names: c.-326T>C (NM_001363593.3); c.670T>C, p.Tyr224His (NM_001139443.3, NM_001300786.2, NM_001300787.2); c.532T>C, p.Tyr178His (NM_001363591.3); c.850T>C, p.Tyr284His (NM_001363592.2); short protein forms Y284H, Y178H, Y224H.
Identifiers: ClinVar variation 2004400 (VCV002004400.4), dbSNP rs1941618522, ClinGen allele CA380840287.